The following is an entry in ClinVar:

ClinVar aggregate classification (germline): Benign (1 of 4 stars; one submission).

Allele frequency attached by ClinVar (database versions not stated): 1000 Genomes Project 30x 0.00640; 1000 Genomes Project 0.00719; TOPMed 0.00907; gnomAD 0.00921; ESP Exome Variant Server 0.01084; ExAC 0.01131; gnomAD exomes 0.01253.
gnomAD v4.1: 19,601 of 1,603,284 alleles (1.2%); highest among the groups gnomAD compares: South Asian, 1.9%; 157 homozygotes.

Submission:

CeGaT Center for Human Genetics Tuebingen
Classification: Benign. Last evaluated: 2023-07-01. Review status: criteria provided, single submitter. Criteria: CeGaT Center For Human Genetics Tuebingen Variant Classification Criteria Version 2. Collection method: clinical testing. Allele origin: germline. Affected: yes. Observed: 1 variant allele.
Comment: RAP1B: BS1, BS2

NM_001010942.3(RAP1B):c.468+6G>A

Gene: RAP1B (RAP1B, member of RAS oncogene family; plus strand). Cytogenetic location: 12q15.
Variant type: single nucleotide variant.
Coding change: c.468+6G>A on transcript NM_001010942.3 (MANE Select); 6 bases into the intron after coding-DNA position 468, G replaced by A.
Molecular consequence: intron variant.
Genome position (GRCh38, 1-based): chr12:68,656,455, G>A. VCF-style: chr12-68656455-G-A. GRCh37 (hg19) VCF-style: chr12-69050235-G-A.
Other names: c.468+6G>A (NM_015646.6); c.342+6G>A (NM_001251917.2, NM_001251918.2); c.327+6G>A (NM_001251922.2); c.411+6G>A (NM_001251921.2).
Identifiers: ClinVar variation 2643168 (VCV002643168.24), dbSNP rs141697489, ClinGen allele CA6677179.